The following is an entry in ClinVar:

ClinVar aggregate classification (germline): Uncertain significance (1 of 4 stars; one submission).

Submission:

Ambry Genetics
Classification: Uncertain significance. Last evaluated: 2024-12-17. Review status: criteria provided, single submitter. Criteria: Ambry Variant Classification Scheme 2023. Collection method: clinical testing. Allele origin: germline.
Comment: The p.S839R variant (also known as c.2515A>C), located in coding exon 23 of the RASA2 gene, results from an A to C substitution at nucleotide position 2515. The serine at codon 839 is replaced by arginine, an amino acid with dissimilar properties. This amino acid position is conserved. In addition, the in silico prediction for this alteration is inconclusive. Based on the available evidence, the clinical significance of this variant remains unclear.

NM_006506.5(RASA2):c.2515A>C (p.Ser839Arg)

Gene: RASA2 (RAS p21 protein activator 2; plus strand). Cytogenetic location: 3q23.
Variant type: single nucleotide variant.
Coding change: c.2515A>C on transcript NM_006506.5 (MANE Select); coding-DNA position 2515, A replaced by C.
Protein change: p.Ser839Arg; replaces serine 839 with arginine.
Molecular consequence: missense variant.
Genome position (GRCh38, 1-based): chr3:141,610,062, A>C. VCF-style: chr3-141610062-A-C. GRCh37 (hg19) VCF-style: chr3-141328904-A-C.
Other names: c.2518A>C, p.Ser840Arg (NM_001303245.3); c.2527A>C, p.Ser843Arg (NM_001303246.3); short protein forms S839R, S840R, S843R.
Identifiers: ClinVar variation 3786968 (VCV003786968.1).